The following is an entry in ClinVar:

ClinVar aggregate classification (germline): Uncertain significance. Review status: criteria provided, single submitter (1 of 4 stars). 2 submissions from 2 submitters: Uncertain significance (1). 1 of the submissions does not count toward it. Last evaluated 2020-07-28.

Conditions:
Encephalopathy due to defective mitochondrial and peroxisomal fission 2 (EMPF2). Identifiers: Orphanet 485421, MedGen C4310726, MONDO:0014905, OMIM 617086.

Submissions (2):

Baylor Genetics
Classification: Uncertain significance for Encephalopathy due to defective mitochondrial and peroxisomal fission 2. Last evaluated: 2020-07-28. Review status: criteria provided, single submitter. Criteria: ACMG Guidelines, 2015. Collection method: clinical testing. Allele origin: unknown. Affected: yes.
Comment: This variant was determined to be of uncertain significance according to ACMG Guidelines, 2015 [PMID:25741868].

OMIM
Classification: Pathogenic for ENCEPHALOPATHY DUE TO DEFECTIVE MITOCHONDRIAL AND PEROXISOMAL FISSION 2. Last evaluated: 2023-02-08. Review status: no assertion criteria provided. Collection method: literature only. Allele origin: germline. Not counted in ClinVar's aggregate classification.

Literature cited by the submitters: PubMed 34750646 (cited by OMIM).

NM_001277062.2(MFF):c.856T>C (p.Trp286Arg)

Gene: MFF (mitochondrial fission factor; plus strand). Cytogenetic location: 2q36.3.
Variant type: single nucleotide variant.
Coding change: c.856T>C on transcript NM_001277062.2 (MANE Select); coding-DNA position 856, T replaced by C.
Protein change: p.Trp286Arg; replaces tryptophan 286 with arginine.
Molecular consequence: missense variant. On other transcripts: non-coding transcript variant (1).
Genome position (GRCh38, 1-based): chr2:227,357,097, T>C. VCF-style: chr2-227357097-T-C. GRCh37 (hg19) VCF-style: chr2-228221813-T-C.
Other names: c.1009T>C, p.Trp337Arg (NM_001277061.2, NM_020194.5); c.712T>C, p.Trp238Arg (NM_001277063.2); c.697T>C, p.Trp233Arg (NM_001277064.2); c.637T>C, p.Trp213Arg (NM_001277065.2, NM_001277066.2); c.646T>C, p.Trp216Arg (NM_001277067.1); c.739T>C, p.Trp247Arg (NM_001277068.1); short protein forms W216R, W337R, W213R, W238R, W286R, W233R, W247R.
Identifiers: ClinVar variation 1030331 (VCV001030331.2), dbSNP rs2076297587, ClinGen allele CA350858172.